The following is an entry in ClinVar:

ClinVar aggregate classification (germline): Uncertain significance (1 of 4 stars; one submission).

Conditions:
Hyperphosphatasia with impaired intellectual development syndrome 2. Also called: Hyperphosphatasia with intellectual disability syndrome 2; GLYCOSYLPHOSPHATIDYLINOSITOL BIOSYNTHESIS DEFECT 6. Identifiers: Orphanet 247262, MedGen C3553637, MONDO:0013882, OMIM 614749.

Submission:

Labcorp Genetics (formerly Invitae), Labcorp
Classification: Uncertain significance for Hyperphosphatasia with impaired intellectual development syndrome 2. Last evaluated: 2021-06-28. Review status: criteria provided, single submitter. Criteria: Invitae Variant Classification Sherloc (09022015). Collection method: clinical testing. Allele origin: germline.
Comment: This variant has not been reported in the literature in individuals with PIGO-related conditions. This variant is not present in population databases (ExAC no frequency). This sequence change replaces cysteine with serine at codon 673 of the PIGO protein (p.Cys673Ser). The cysteine residue is moderately conserved and there is a moderate physicochemical difference between cysteine and serine. Algorithms developed to predict the effect of missense changes on protein structure and function (SIFT, PolyPhen-2, Align-GVGD) all suggest that this variant is likely to be tolerated, but these predictions have not been confirmed by published functional studies and their clinical significance is uncertain. In summary, the available evidence is currently insufficient to determine the role of this variant in disease. Therefore, it has been classified as a Variant of Uncertain Significance.

NM_032634.4(PIGO):c.2018G>C (p.Cys673Ser)

Gene: PIGO (phosphatidylinositol glycan anchor biosynthesis class O; minus strand). Cytogenetic location: 9p13.3.
Variant type: single nucleotide variant.
Coding change: c.2018G>C on transcript NM_032634.4 (MANE Select); coding-DNA position 2018, G replaced by C.
Protein change: p.Cys673Ser; replaces cysteine 673 with serine.
Molecular consequence: missense variant. On other transcripts: intron variant (2).
Genome position (GRCh38, 1-based): chr9:35,091,869, C>G on the plus strand (G>C on the coding strand, the complement: PIGO is on the minus strand). VCF-style: chr9-35091869-C-G. GRCh37 (hg19) VCF-style: chr9-35091866-C-G.
Other names: c.1345-578G>C (NM_152850.4, NM_001201484.2); short protein forms C673S.
Identifiers: ClinVar variation 1378525 (VCV001378525.8), dbSNP rs1829439353, ClinGen allele CA373320944.